The following is an entry in ClinVar:

ClinVar aggregate classification (germline): Pathogenic (1 of 4 stars; one submission).

Conditions:
Retinitis pigmentosa 12 (RP12). Also called: RP WITH OR WITHOUT PRESERVED PARAARTERIOLE RETINAL PIGMENT EPITHELIUM; RETINITIS PIGMENTOSA WITH OR WITHOUT PARAARTERIOLAR PRESERVATION OF RETINAL PIGMENT EPITHELIUM; RP WITH OR WITHOUT PPRPE. Identifiers: Orphanet 791, MedGen C1838647, MONDO:0010818, OMIM 600105.
Leber congenital amaurosis 8 (LCA8). Identifiers: Orphanet 65, MedGen C3151202, MONDO:0013453, OMIM 613835.

Submission:

Labcorp Genetics (formerly Invitae), Labcorp
Classification: Pathogenic for Leber congenital amaurosis 8; Retinitis pigmentosa 12. Last evaluated: 2023-09-25. Review status: criteria provided, single submitter. Criteria: Invitae Variant Classification Sherloc (09022015). Collection method: clinical testing. Allele origin: germline.
Comment: This sequence change creates a premature translational stop signal (p.Ser1022Lysfs*28) in the CRB1 gene. It is expected to result in an absent or disrupted protein product. Loss-of-function variants in CRB1 are known to be pathogenic (PMID: 10508521, 22065545, 23379534, 25412400, 26957898, 28041643, 29391521). This variant is not present in population databases (gnomAD no frequency). This variant has not been reported in the literature in individuals affected with CRB1-related conditions. For these reasons, this variant has been classified as Pathogenic.

Literature cited by the submitters: PubMed 10508521; PubMed 22065545; PubMed 23379534; PubMed 25412400; PubMed 26957898; PubMed 28041643; PubMed 29391521.

NM_201253.3(CRB1):c.2982_3064dup (p.Ser1022delinsLysSerLeuAsnPheLeuIleLeuAlaPheLysIleProAspTyrSerPheAsnCysLysValAlaThrAlaPheIleCysTer)

Gene: CRB1 (crumbs cell polarity complex component 1; plus strand). Cytogenetic location: 1q31.3.
Variant type: Duplication.
Coding change: c.2982_3064dup on transcript NM_201253.3 (MANE Select); coding-DNA positions 2982 to 3064, 83 bases duplicated.
Protein change: p.Ser1022delinsLysSerLeuAsnPheLeuIleLeuAlaPheLysIleProAspTyrSerPheAsnCysLysValAlaThrAlaPheIleCysTer.
Molecular consequence: nonsense. On other transcripts: non-coding transcript variant (2), intron variant (1).
Genome position (GRCh38, 1-based): chr1:197,434,845-197,434,927, 83 bases duplicated. GRCh37 (hg19): chr1:197,403,975-197,404,057.
Other names: c.2646_2728dup, p.Ser910delinsLysSerLeuAsnPheLeuIleLeuAlaPheLysIleProAspTyrSerPheAsnCysLysValAlaThrAlaPheIleCysTer (NM_001193640.2); c.2910_2992dup, p.Ser998delinsLysSerLeuAsnPheLeuIleLeuAlaPheLysIleProAspTyrSerPheAsnCysLysValAlaThrAlaPheIleCysTer (NM_001257965.2); c.2129-755_2129-673dup (NM_001257966.2).
Identifiers: ClinVar variation 2952266 (VCV002952266.3), dbSNP rs2528196951, ClinGen allele CA2740090447.